The following is an entry in ClinVar:

ClinVar aggregate classification (germline): Uncertain significance (1 of 4 stars; one submission).

gnomAD v4.1: 2 of 1,100,212 alleles (0.00018%); highest among the groups gnomAD compares: Non-Finnish European, 0.00022%; no homozygotes.

Submission:

Labcorp Genetics (formerly Invitae), Labcorp
Classification: Uncertain significance. Last evaluated: 2022-10-20. Review status: criteria provided, single submitter. Criteria: Invitae Variant Classification Sherloc (09022015). Collection method: clinical testing. Allele origin: germline.
Comment: In summary, the available evidence is currently insufficient to determine the role of this variant in disease. Therefore, it has been classified as a Variant of Uncertain Significance. Algorithms developed to predict the effect of missense changes on protein structure and function output the following: SIFT: "Tolerated"; PolyPhen-2: "Not Available"; Align-GVGD: "Class C0". The glutamic acid amino acid residue is found in multiple mammalian species, which suggests that this missense change does not adversely affect protein function. This variant has not been reported in the literature in individuals affected with TAPT1-related conditions. The frequency data for this variant in the population databases is considered unreliable, as metrics indicate insufficient coverage at this position in the gnomAD database. This sequence change replaces aspartic acid, which is acidic and polar, with glutamic acid, which is acidic and polar, at codon 24 of the TAPT1 protein (p.Asp24Glu).

NM_153365.3(TAPT1):c.72C>A (p.Asp24Glu)

Genes: TAPT1 (transmembrane anterior posterior transformation 1; minus strand), LOC129992296 (ATAC-STARR-seq lymphoblastoid silent region 15304; plus strand). Cytogenetic location: 4p15.32.
Variant type: single nucleotide variant.
Coding change: c.72C>A on transcript NM_153365.3 (MANE Select); coding-DNA position 72, C replaced by A.
Protein change: p.Asp24Glu; replaces aspartic acid 24 with glutamic acid.
Molecular consequence: missense variant.
Genome position (GRCh38, 1-based): chr4:16,226,386, G>T on the plus strand (C>A on the coding strand, the complement: TAPT1 is on the minus strand). VCF-style: chr4-16226386-G-T. GRCh37 (hg19) VCF-style: chr4-16228009-G-T.
Other names: short protein forms D24E.
Identifiers: ClinVar variation 1721896 (VCV001721896.6), dbSNP rs1350671190, ClinGen allele CA356490635.